The following is an entry in ClinVar:

ClinVar aggregate classification (germline): Conflicting classifications of pathogenicity. Review status: criteria provided, conflicting classifications (1 of 4 stars). 3 submissions from 3 submitters: Uncertain significance (1); Likely benign (2). Last evaluated 2025-11-27.

Conditions:
Primary ciliary dyskinesia. Also called: Ciliary dyskinesia. Identifiers: Orphanet 244, MedGen C0008780, MONDO:0016575, HP:0012265.

Allele frequency attached by ClinVar (database versions not stated): 1000 Genomes Project 30x 0.00016; 1000 Genomes Project 0.00020; gnomAD exomes 0.00056; ExAC 0.00060; gnomAD 0.00001 and 0.00012; TOPMed 0.00002.
gnomAD v4.1: 426 of 1,612,732 alleles (0.026%); highest among the groups gnomAD compares: South Asian, 0.44%; 2 homozygotes.

Submissions (3):

Labcorp Genetics (formerly Invitae), Labcorp
Classification: Likely benign for Primary ciliary dyskinesia. Last evaluated: 2025-11-27. Review status: criteria provided, single submitter. Criteria: Invitae Variant Classification Sherloc (09022015). Collection method: clinical testing. Allele origin: germline.

GeneDx
Classification: Uncertain significance. Last evaluated: 2025-05-04. Review status: criteria provided, single submitter. Criteria: GeneDx Variant Classification Process June 2021. Collection method: clinical testing. Allele origin: germline. Affected: yes.
Comment: In silico analysis supports that this missense variant has a deleterious effect on protein structure/function; Has not been previously published as pathogenic or benign to our knowledge

Ambry Genetics
Classification: Likely benign for Primary ciliary dyskinesia. Last evaluated: 2024-05-20. Review status: criteria provided, single submitter. Criteria: Ambry Variant Classification Scheme 2023. Collection method: clinical testing. Allele origin: germline.

NM_001277115.2(DNAH11):c.7225G>A (p.Ala2409Thr)

Gene: DNAH11 (dynein axonemal heavy chain 11; plus strand). Cytogenetic location: 7p15.3.
Variant type: single nucleotide variant.
Coding change: c.7225G>A on transcript NM_001277115.2 (MANE Select); coding-DNA position 7225, G replaced by A.
Protein change: p.Ala2409Thr; replaces alanine 2409 with threonine.
Molecular consequence: missense variant.
Genome position (GRCh38, 1-based): chr7:21,720,815, G>A. VCF-style: chr7-21720815-G-A. GRCh37 (hg19) VCF-style: chr7-21760433-G-A.
Other names: short protein forms A2409T.
Identifiers: ClinVar variation 454702 (VCV000454702.14), dbSNP rs559451610, ClinGen allele CA4181147.